The following is an entry in ClinVar:

NM_007055.4(POLR3A):c.2212C>T (p.Gln738Ter)

Gene: POLR3A (RNA polymerase III subunit A; minus strand). Cytogenetic location: 10q22.3.
Variant type: single nucleotide variant.
Coding change: c.2212C>T on transcript NM_007055.4 (MANE Select); coding-DNA position 2212, C replaced by T.
Protein change: p.Gln738Ter; replaces glutamine 738 with a stop codon.
Molecular consequence: nonsense.
Genome position (GRCh38, 1-based): chr10:78,004,751, G>A on the plus strand (C>T on the coding strand, the complement: POLR3A is on the minus strand). VCF-style: chr10-78004751-G-A. GRCh37 (hg19) VCF-style: chr10-79764509-G-A.
Other names: short protein forms Q738*.
Identifiers: ClinVar variation 3254641 (VCV003254641.1), dbSNP rs1211433401.

ClinVar aggregate classification (germline): Pathogenic (1 of 4 stars; one submission).

Conditions:
Leukodystrophy, hypomyelinating, 7, with or without oligodontia and/or hypogonadotropic hypogonadism (HLD7). Also called: LEUKOENCEPHALOPATHY, HYPOMYELINATING, WITH ATAXIA AND DELAYED DENTITION; ATAXIA, DELAYED DENTITION, AND HYPOMYELINATION; LEUKODYSTROPHY, HYPOMYELINATING, 7, WITH OLIGODONTIA; LEUKODYSTROPHY, HYPOMYELINATING, 7, WITH OLIGODONTIA AND HYPOGONADOTROPIC HYPOGONADISM; LEUKODYSTROPHY, HYPOMYELINATING, 7, WITHOUT OLIGODONTIA OR HYPOGONADOTROPIC HYPOGONADISM; Ataxia, Delayed Dentition and Hypomyelination (ADDH). Identifiers: Orphanet 137639, Orphanet 447893, Orphanet 447896, Orphanet 77295, Orphanet 88637, MedGen CN034185, MONDO:0011897, OMIM 607694.

Allele frequency attached by ClinVar (database versions not stated): gnomAD exomes 0.00001.
gnomAD v4.1: 7 of 1,613,936 alleles (0.00043%); highest among the groups gnomAD compares: Non-Finnish European, 0.00059%; no homozygotes.

Submission:

Victorian Clinical Genetics Services, Murdoch Childrens Research Institute
Classification: Pathogenic for Leukodystrophy, hypomyelinating, 7, with or without oligodontia and/or hypogonadotropic hypogonadism. Last evaluated: 2023-07-17. Review status: criteria provided, single submitter. Criteria: ACMG Guidelines, 2015. Collection method: clinical testing. Allele origin: germline. Inheritance: Autosomal recessive inheritance. Affected: yes.
Comment: Based on the classification scheme VCGS_Germline_v1.3.4, this variant is classified as Pathogenic. Following criteria are met: 0102 - Loss of function is a known mechanism of disease in this gene and is associated with leukodystrophy, hypomyelinating, 7, with or without oligodontia and/or hypogonadotropic hypogonadism (MIM#607694) and Wiedemann-Rautenstrauch syndrome (MIM#264090). (I) 0106 - This gene is associated with autosomal recessive disease. (I) 0115 - Variants in this gene are known to have variable expressivity. Intrafamilial variability in individuals with a leukodystrophy phenotype have been reported (PMID: 21855841). (I) 0201 - Variant is predicted to cause nonsense-mediated decay (NMD) and loss of protein (premature termination codon is located at least 54 nucleotides upstream of the final exon-exon junction). (SP) 0251 - This variant is heterozygous. (I) 0304 - Variant is present in gnomAD (v2) <0.01 for a recessive condition (1 heterozygote, 0 homozygotes). (SP) 0701 - Other NMD-predicted variants comparable to the one identified in this case have very strong previous evidence for pathogenicity. These variants have been reported multiple times as pathogenic, and observed in compound heterozygous individuals with leukodystrophy or less commonly with Wiedemann-Rautenstrauch syndrome (DECIPHER, PMID: 30323018, PMID: 21855841). (SP) 0807 - This variant has no previous evidence of pathogenicity. (I) 0905 - No published segregation evidence has been identified for this variant. (I) 1007 - No published functional evidence has been identified for this variant. (I) 1208 - Inheritance information for this variant is not currently available in this individual. (I) Legend: (SP) - Supporting pathogenic, (I) - Information, (SB) - Supporting benign

Literature cited by the submitters: PubMed 21855841; PubMed 30323018.